The following is an entry in ClinVar:

NM_000057.4(BLM):c.244A>T (p.Asn82Tyr)

Gene: BLM (BLM RecQ like helicase; plus strand). Cytogenetic location: 15q26.1.
Variant type: single nucleotide variant.
Coding change: c.244A>T on transcript NM_000057.4 (MANE Select); coding-DNA position 244, A replaced by T.
Protein change: p.Asn82Tyr; replaces asparagine 82 with tyrosine.
Molecular consequence: missense variant. On other transcripts: 5 prime UTR variant (1).
Genome position (GRCh38, 1-based): chr15:90,749,512, A>T. VCF-style: chr15-90749512-A-T. GRCh37 (hg19) VCF-style: chr15-91292742-A-T.
Other names: c.244A>T, p.Asn82Tyr (NM_001287246.2, NM_001287247.2); c.-1048A>T (NM_001287248.2); short protein forms N82Y.
Identifiers: ClinVar variation 1441756 (VCV001441756.8), dbSNP rs2151146930, ClinGen allele CA393839937.

ClinVar aggregate classification (germline): Uncertain significance (1 of 4 stars; one submission).

Conditions:
Bloom syndrome (BLM). Also called: Bloom-Torre-Machacek syndrome. Identifiers: Orphanet 125, MedGen C0005859, MONDO:0008876, OMIM 210900.

Submission:

Labcorp Genetics (formerly Invitae), Labcorp
Classification: Uncertain significance for Bloom syndrome. Last evaluated: 2024-03-06. Review status: criteria provided, single submitter. Criteria: Invitae Variant Classification Sherloc (09022015). Collection method: clinical testing. Allele origin: germline.
Comment: This sequence change replaces asparagine, which is neutral and polar, with tyrosine, which is neutral and polar, at codon 82 of the BLM protein (p.Asn82Tyr). This variant is not present in population databases (gnomAD no frequency). This variant has not been reported in the literature in individuals affected with BLM-related conditions. ClinVar contains an entry for this variant (Variation ID: 1441756). An algorithm developed to predict the effect of missense changes on protein structure and function (PolyPhen-2) suggests that this variant is likely to be tolerated. In summary, the available evidence is currently insufficient to determine the role of this variant in disease. Therefore, it has been classified as a Variant of Uncertain Significance.